The following is an entry in ClinVar:

ClinVar aggregate classification (germline): Uncertain significance (1 of 4 stars; one submission).

Conditions:
Cardiovascular phenotype. Identifiers: MedGen CN230736.

Submission:

Ambry Genetics
Classification: Uncertain significance for Cardiovascular phenotype. Last evaluated: 2023-12-27. Review status: criteria provided, single submitter. Criteria: Ambry Variant Classification Scheme 2023. Collection method: clinical testing. Allele origin: germline.
Comment: The c.59923+1G>T intronic variant results from a G to T substitution one nucleotide after coding exon 154 of the TTN gene. Exon 154 is located in the A-band region of the N2-B isoform of the titin protein and is constitutively expressed in TTN transcripts (percent spliced in or PSI 100%). In silico splice site analysis predicts that this alteration will weaken the native splice donor site. This alteration disrupts the canonical splice site and is expected to cause aberrant splicing. However, although direct evidence is unavailable, this alteration is predicted to result in an in-frame transcript that is not expected to trigger nonsense-mediated mRNA decay. The exact functional effect of the predicted splice impact is unknown. This nucleotide position is highly conserved in available vertebrate species. Since supporting evidence is limited at this time, the clinical significance of this alteration remains unclear.

NM_001267550.2(TTN):c.87118+1G>T

Genes: TTN (titin; minus strand), TTN-AS1 (TTN antisense RNA 1; plus strand). Cytogenetic location: 2q31.2.
Variant type: single nucleotide variant.
Coding change: c.87118+1G>T on transcript NM_001267550.2 (MANE Select); the canonical splice donor site of the intron after coding-DNA position 87118, G replaced by T.
Molecular consequence: splice donor variant.
Genome position (GRCh38, 1-based): chr2:178,558,340, C>A on the plus strand (G>T on the coding strand, the complement: TTN is on the minus strand). VCF-style: chr2-178558340-C-A. GRCh37 (hg19) VCF-style: chr2-179423067-C-A.
Other names: c.59923+1G>T (NM_003319.4); c.60499+1G>T (NM_133437.4); c.60298+1G>T (NM_133432.3); c.79414+1G>T (NM_133378.4); c.82195+1G>T (NM_001256850.1).
Identifiers: ClinVar variation 3223319 (VCV003223319.1), dbSNP rs2469567880, ClinGen allele CA349539164.